The following is an entry in ClinVar:

ClinVar aggregate classification (germline): Pathogenic (1 of 4 stars; one submission).

Allele frequency attached by ClinVar (database versions not stated): gnomAD exomes below 0.00001; TOPMed below 0.00001; ExAC 0.00001; gnomAD 0.00001; ESP Exome Variant Server 0.00008.
gnomAD v4.1: 2 of 1,604,276 alleles (0.00012%); highest among the groups gnomAD compares: Non-Finnish European, 0.00017%; no homozygotes.

Submission:

Labcorp Genetics (formerly Invitae), Labcorp
Classification: Pathogenic. Last evaluated: 2023-09-17. Review status: criteria provided, single submitter. Criteria: Invitae Variant Classification Sherloc (09022015). Collection method: clinical testing. Allele origin: germline.
Comment: For these reasons, this variant has been classified as Pathogenic. This variant has not been reported in the literature in individuals affected with PCNT-related conditions. This variant is present in population databases (rs377664288, gnomAD 0.001%). This sequence change creates a premature translational stop signal (p.Gln2555*) in the PCNT gene. It is expected to result in an absent or disrupted protein product. Loss-of-function variants in PCNT are known to be pathogenic (PMID: 18174396, 22821869).

Literature cited by the submitters: PubMed 18174396; PubMed 22821869.

NM_006031.6(PCNT):c.7663C>T (p.Gln2555Ter)

Gene: PCNT (pericentrin; plus strand). Cytogenetic location: 21q22.3.
Variant type: single nucleotide variant.
Coding change: c.7663C>T on transcript NM_006031.6 (MANE Select); coding-DNA position 7663, C replaced by T.
Protein change: p.Gln2555Ter; replaces glutamine 2555 with a stop codon.
Molecular consequence: nonsense.
Genome position (GRCh38, 1-based): chr21:46,428,563, C>T. VCF-style: chr21-46428563-C-T. GRCh37 (hg19) VCF-style: chr21-47848477-C-T.
Other names: c.7309C>T, p.Gln2437Ter (NM_001315529.2); short protein forms Q2437*, Q2555*.
Identifiers: ClinVar variation 2970045 (VCV002970045.3), dbSNP rs377664288, ClinGen allele CA10080739.